The following is an entry in ClinVar:

NM_005732.4(RAD50):c.1722A>C (p.Lys574Asn)

Gene: RAD50 (RAD50 double strand break repair protein; plus strand). Cytogenetic location: 5q31.1.
Variant type: single nucleotide variant.
Coding change: c.1722A>C on transcript NM_005732.4 (MANE Select); coding-DNA position 1722, A replaced by C.
Protein change: p.Lys574Asn; replaces lysine 574 with asparagine.
Molecular consequence: missense variant.
Genome position (GRCh38, 1-based): chr5:132,591,963, A>C. VCF-style: chr5-132591963-A-C. GRCh37 (hg19) VCF-style: chr5-131927655-A-C.
Other names: short protein forms K574N.
Identifiers: ClinVar variation 5027720 (VCV005027720.1).

ClinVar aggregate classification (germline): Uncertain significance (1 of 4 stars; one submission).

Conditions:
Hereditary cancer-predisposing syndrome. Also called: Neoplastic Syndromes, Hereditary; Tumor predisposition; Hereditary neoplastic syndrome; Hereditary Cancer Syndrome. Identifiers: Orphanet 140162, MedGen C0027672, MeSH D009386, MONDO:0015356.

Submission:

Ambry Genetics
Classification: Uncertain significance for Hereditary cancer-predisposing syndrome. Last evaluated: 2026-07-18. Review status: criteria provided, single submitter. Criteria: Ambry Variant Classification Scheme 2023. Collection method: clinical testing. Allele origin: germline.
Comment: The p.K574N variant (also known as c.1722A>C), located in coding exon 11 of the RAD50 gene, results from an A to C substitution at nucleotide position 1722. The lysine at codon 574 is replaced by asparagine, an amino acid with similar properties. This amino acid position is conserved. In addition, this alteration is predicted to be tolerated by in silico analysis. Based on the available evidence, the clinical significance of this variant remains unclear.